The following is an entry in ClinVar:

ClinVar aggregate classification (germline): Conflicting classifications of pathogenicity. Review status: criteria provided, conflicting classifications (1 of 4 stars). 10 submissions from 10 submitters: Uncertain significance (5); Likely benign (4). 1 of the submissions does not count toward it. Last evaluated 2025-12-29.

Conditions:
BRCA2-related cancer predisposition. Identifiers: MedGen CN377758, MONDO:0700269.
Hereditary breast ovarian cancer syndrome. Also called: BRCA1- and BRCA2-Associated Hereditary Breast and Ovarian Cancer; Hereditary breast and ovarian cancer syndrome; Hereditary breast and ovarian cancer; Hereditary breast and ovarian cancer syndrome (HBOC); Breast and ovarian cancer; Hereditary breast and/or ovarian cancer syndrome. Identifiers: Orphanet 145, MedGen C0677776, MeSH D061325, MONDO:0003582. Disease mechanism: loss of function.
Hereditary cancer-predisposing syndrome. Also called: Hereditary neoplastic syndrome; Hereditary Cancer Syndrome; Neoplastic Syndromes, Hereditary; Tumor predisposition. Identifiers: Orphanet 140162, MedGen C0027672, MeSH D009386, MONDO:0015356.
Familial cancer of breast. Also called: BREAST CANCER, FAMILIAL; hereditary breast carcinoma; Hereditary breast cancer. Identifiers: Orphanet 227535, MedGen C0346153, MONDO:0016419, OMIM 114480. Disease mechanism: loss of function.
Malignant tumor of breast. Also called: Malignant breast neoplasm; Cancer breast. Identifiers: MedGen C0006142, MONDO:0007254. Disease mechanism: loss of function.

Allele frequency attached by ClinVar (database versions not stated): gnomAD exomes below 0.00001; TOPMed below 0.00001; ExAC 0.00001.
gnomAD v4.1: 6 of 1,608,608 alleles (0.00037%); highest among the groups gnomAD compares: Non-Finnish European, 0.00034%; no homozygotes.

Submissions (10):

Center for Genomic Medicine, Rigshospitalet, Copenhagen University Hospital
Classification: Likely benign. Last evaluated: 2025-12-29. Review status: criteria provided, single submitter. Criteria: ACMG Guidelines, 2015. Collection method: clinical testing. Allele origin: germline.
Comment: Classification criteria: BP1_strong

Labcorp Genetics (formerly Invitae), Labcorp
Classification: Uncertain significance for Hereditary breast ovarian cancer syndrome. Last evaluated: 2025-12-23. Review status: criteria provided, single submitter. Criteria: Invitae Variant Classification Sherloc (09022015). Collection method: clinical testing. Allele origin: germline.
Comment: This sequence change replaces glutamic acid, which is acidic and polar, with aspartic acid, which is acidic and polar, at codon 1254 of the BRCA2 protein (p.Glu1254Asp). The frequency data for this variant in the population databases is considered unreliable, as metrics indicate poor data quality at this position in the gnomAD database. This missense change has been observed in individual(s) with breast and/or ovarian cancer (PMID: 22874498, 27882536, 32380732, 34178674). This variant is also known as 3990G>T. ClinVar contains an entry for this variant (Variation ID: 234481). Invitae Evidence Modeling of protein sequence and biophysical properties (such as structural, functional, and spatial information, amino acid conservation, physicochemical variation, residue mobility, and thermodynamic stability) indicates that this missense variant is not expected to disrupt BRCA2 protein function with a negative predictive value of 95%. In summary, the available evidence is currently insufficient to determine the role of this variant in disease. Therefore, it has been classified as a Variant of Uncertain Significance.

All of Us Research Program, National Institutes of Health
Classification: Uncertain significance for BRCA2-related cancer predisposition. Last evaluated: 2024-09-23. Review status: criteria provided, single submitter. Criteria: ACMG Guidelines, 2015. Collection method: clinical testing. Allele origin: germline. Inheritance: Autosomal dominant inheritance. Observed: 1 variant allele, 1 heterozygote.
Comment: This study involves interpretation of variants in research participants for the purpose of population health screening. Participant phenotype was not available at the time of variant classification. Additional details can be found in publication PMID: 35346344, PMCID: PMC8962531

MGZ Medical Genetics Center
Classification: Likely benign for Familial cancer of breast. Last evaluated: 2024-02-09. Review status: criteria provided, single submitter. Criteria: CSpec BRCA1/2ACMG Rules Specifications V1.1.0. Collection method: clinical testing. Allele origin: germline. Affected: yes.
Comment: ACMG codes applied following ENIGMA VCEP rules: BP1_STR, PM2_SUP

Color Diagnostics, LLC DBA Color Health
Classification: Uncertain significance for Hereditary cancer-predisposing syndrome. Last evaluated: 2024-01-30. Review status: criteria provided, single submitter. Criteria: ACMG Guidelines, 2015. Collection method: clinical testing. Allele origin: germline.
Comment: This missense variant replaces glutamic acid with aspartic acid at codon 1254 of the BRCA2 protein. Computational prediction suggests that this variant may not impact protein structure and function. To our knowledge, functional studies have not been reported for this variant. This variant has been reported in individuals affected with breast or ovarian cancer (PMID: 22874498, 27882536, 32380732). In a large breast cancer case-control meta-analysis conducted by the BRIDGES consortium, this variant was reported in 3/60466 cases and 6/53461 controls (PMID: 33471991; Leiden Open Variation Database DB-ID BRCA2_007348). This variant has been identified in 1/245818 chromosomes in the general population by the Genome Aggregation Database (gnomAD). The available evidence is insufficient to determine the role of this variant in disease conclusively. Therefore, this variant is classified as a Variant of Uncertain Significance.

University of Washington Department of Laboratory Medicine, University of Washington
Classification: Likely benign for Hereditary cancer-predisposing syndrome. Last evaluated: 2023-03-23. Review status: criteria provided, single submitter. Criteria: Dines et al. (Genet Med. 2020). Collection method: curation. Allele origin: germline.
Comment: Missense variant in a coldspot region where missense variants are very unlikely to be pathogenic (PMID:31911673).

BRCA2 exon 11 coldspot. Reclassification based on statistical prior probability.

Women's Health and Genetics/Laboratory Corporation of America, LabCorp
Classification: Uncertain significance. Last evaluated: 2023-02-20. Review status: criteria provided, single submitter. Criteria: LabCorp Variant Classification Summary - May 2015. Collection method: clinical testing. Allele origin: germline.
Comment: Variant summary: BRCA2 c.3762G>T (p.Glu1254Asp) results in a conservative amino acid change in the encoded protein sequence. Four of five in-silico tools predict a benign effect of the variant on protein function. The variant allele was found at a frequency of 4.1e-06 in 245818 control chromosomes. The available data on variant occurrences in the general population are insufficient to allow any conclusion about variant significance. c.3762G>T has been reported in the literature in individuals affected with Hereditary Breast And Ovarian Cancer Syndrome without strong evidence for causality (Ozcelik_2012, Loizidou_2017, Incorvaia_2020). These reports do not provide unequivocal conclusions about association of the variant with Hereditary Breast And Ovarian Cancer Syndrome. To our knowledge, no experimental evidence demonstrating an impact on protein function has been reported. Six clinical diagnostic laboratories have submitted clinical-significance assessments for this variant to ClinVar after 2014 without evidence for independent evaluation. Five submitters classified the variant as VUS while one classified as likely benign. Based on the evidence outlined above, the variant was classified as uncertain significance.

Ambry Genetics
Classification: Likely benign for Hereditary cancer-predisposing syndrome. Last evaluated: 2021-12-09. Review status: criteria provided, single submitter. Criteria: Ambry Variant Classification Scheme 2023. Collection method: clinical testing. Allele origin: germline.

GeneDx
Classification: Uncertain significance. Last evaluated: 2017-03-07. Review status: criteria provided, single submitter. Criteria: GeneDx Variant Classification (06012015). Collection method: clinical testing. Allele origin: germline. Affected: yes.
Comment: This variant is denoted BRCA2 c.3762G>T at the cDNA level, p.Glu1254Asp (E1254D) at the protein level, and results in the change of a Glutamic Acid to an Aspartic Acid (GAG>GAT). Using alternate nomenclature, this variant has been previously published as BRCA2 3990G>T. This variant was observed in a patient with familial breast cancer (Ozcelik 2012). BRCA2 Glu1254Asp was not observed in approximately 6,500 individuals of European and African American ancestry in the NHLBI Exome Sequencing Project, indicating it is not a common benign variant in these populations. Since Glutamic Acid and Aspartic Acid share similar properties, this is considered a conservative amino acid substitution. BRCA2 Glu1254Asp occurs at a position that is not conserved and is not located in a known functional domain (UniProt). In silico analyses predict that this variant is unlikely to alter protein structure or function. Based on currently available information, it is unclear whether BRCA2 Glu1254Asp is pathogenic or benign. We consider it to be a variant of uncertain significance.

Department of Pathology and Laboratory Medicine, Sinai Health System
Classification: Uncertain significance for Malignant tumor of breast. Review status: no assertion criteria provided. Collection method: clinical testing. Allele origin: unknown. Affected: yes. Observed: 1 variant allele. Study: The Canadian Open Genetics Repository (COGR). Not counted in ClinVar's aggregate classification.
Comment: The BRCA2 p.Glu1254Asp variant was identified in 1 of 24 proband chromosomes (frequency: 0.04) from individuals or families with familial breast cancer and was not identified in 200 control chromosomes from healthy individuals (Ozcelik 2012). The variant was identified in dbSNP (ID: rs777028631) as â€šÃ„Ãºwith Likely benign, uncertain significance alleleâ€šÃ„Ã¹, and in the ClinVar (as uncertain significance by GeneDx, Invitae and Ambry Genetics). The variant was not identified in GeneInsight-COGR, Cosmic, MutDB, LOVD 3.0, UMD-LSDB, BIC Database, ARUP Laboratories, or the Zhejiang University Database. The variant was identified in control databases in 1 of 240824 chromosomes at a frequency of 0.000004 (Genome Aggregation Database Feb 27, 2017). Breakdown of the observations by population include European Non-Finnish in 1 of 109484 chromosomes (freq: 0.00001), while the variant was not observed in the African, Other, Latino, Ashkenazi Jewish, East Asian, Finnish, and South Asian populations. The p.Glu1254 residue is not conserved in mammals and computational analyses (PolyPhen-2, SIFT, AlignGVGD, BLOSUM, MutationTaster) do not suggest a high likelihood of impact to the protein; however, this information is not predictive enough to rule out pathogenicity. The variant occurs outside of the splicing consensus sequence and 3 of 5 in silico or computational prediction software programs (SpliceSiteFinder, MaxEntScan, NNSPLICE, GeneSplicer, HumanSpliceFinder) predict a greater than 10% difference in splicing. However, this information is not predictive enough to assume pathogenicity. In summary, based on the above information the clinical significance of this variant cannot be determined with certainty at this time. This variant is classified as a variant of uncertain significance.

Literature cited by the submitters: PubMed 22874498 (cited by 4 submitters); PubMed 27882536 (cited by 3 submitters); PubMed 32380732 (cited by 3 submitters); PubMed 34178674 (cited by Labcorp Genetics (formerly Invitae), Labcorp); PubMed 33471991 (cited by Color Diagnostics, LLC DBA Color Health).

NM_000059.4(BRCA2):c.3762G>T (p.Glu1254Asp)

Gene: BRCA2 (BRCA2 DNA repair associated; plus strand). Cytogenetic location: 13q13.1.
Variant type: single nucleotide variant.
Coding change: c.3762G>T on transcript NM_000059.4 (MANE Select); coding-DNA position 3762, G replaced by T.
Protein change: p.Glu1254Asp; replaces glutamic acid 1254 with aspartic acid.
Molecular consequence: missense variant.
Genome position (GRCh38, 1-based): chr13:32,338,117, G>T. VCF-style: chr13-32338117-G-T. GRCh37 (hg19) VCF-style: chr13-32912254-G-T.
Other names: short protein forms E1254D.
Identifiers: ClinVar variation 234481 (VCV000234481.35), dbSNP rs777028631, ClinGen allele CA6940723.